The following is an entry in ClinVar:

ClinVar aggregate classification (germline): Uncertain significance (1 of 4 stars; one submission).

Submission:

Labcorp Genetics (formerly Invitae), Labcorp
Classification: Uncertain significance. Last evaluated: 2024-05-15. Review status: criteria provided, single submitter. Criteria: Invitae Variant Classification Sherloc (09022015). Collection method: clinical testing. Allele origin: germline.
Comment: This sequence change creates a premature translational stop signal (p.Ser107Glnfs*54) in the KIF2A gene. It is expected to result in an absent or disrupted protein product. However, the current clinical and genetic evidence is not sufficient to establish whether loss-of-function variants in KIF2A cause disease. This variant is not present in population databases (gnomAD no frequency). This variant has not been reported in the literature in individuals affected with KIF2A-related conditions. ClinVar contains an entry for this variant (Variation ID: 2021187). In summary, the available evidence is currently insufficient to determine the role of this variant in disease. Therefore, it has been classified as a Variant of Uncertain Significance.

NM_001098511.3(KIF2A):c.319del (p.Ser107fs)

Gene: KIF2A (kinesin family member 2A; plus strand). Cytogenetic location: 5q12.1.
Variant type: Deletion.
Coding change: c.319del on transcript NM_001098511.3 (MANE Select); coding-DNA position 319, one base deleted (T; older notation c.319delT).
Protein change: p.Ser107fs; shifts the reading frame from serine 107.
Molecular consequence: frameshift variant.
Genome position (GRCh38, 1-based): chr5:62,350,105, T deleted; the last of 2 consecutive T bases (chr5:62,350,104-62,350,105); deleting either gives the same sequence. VCF-style (leftmost placement, unchanged base first): chr5-62350103-CT-C. GRCh37 (hg19) VCF-style: chr5-61645930-CT-C.
Other names: c.238del, p.Ser80fs (NM_001243952.2); c.319del, p.Ser107fs (NM_001243953.2, NM_004520.5); short protein forms S80fs, S107fs.
Identifiers: ClinVar variation 2021187 (VCV002021187.4), dbSNP rs2531324747, ClinGen allele CA2580073399.